The following is an entry in ClinVar:

ClinVar aggregate classification (germline): Uncertain significance (0 of 4 stars; one submission).

Conditions:
CTC1-related disorder. Also called: CTC1-related condition.

Allele frequency attached by ClinVar (database versions not stated): gnomAD 0.00001; gnomAD exomes 0.00001; TOPMed 0.00002.
gnomAD v4.1: 14 of 1,614,058 alleles (0.00087%); highest among the groups gnomAD compares: Non-Finnish European, 0.0012%; no homozygotes.

Submission:

PreventionGenetics, part of Exact Sciences
Classification: Uncertain significance for CTC1-related condition. Last evaluated: 2024-01-30. Review status: no assertion criteria provided. Collection method: clinical testing. Allele origin: germline.
Comment: The CTC1 c.911C>A variant is predicted to result in the amino acid substitution p.Ser304Tyr. To our knowledge, this variant has not been reported in the literature or in a large population database, indicating this variant is rare. At this time, the clinical significance of this variant is uncertain due to the absence of conclusive functional and genetic evidence.

NM_025099.6(CTC1):c.911C>A (p.Ser304Tyr)

Gene: CTC1 (CST telomere replication complex component 1; minus strand). Cytogenetic location: 17p13.1.
Variant type: single nucleotide variant.
Coding change: c.911C>A on transcript NM_025099.6 (MANE Select); coding-DNA position 911, C replaced by A.
Protein change: p.Ser304Tyr; replaces serine 304 with tyrosine.
Molecular consequence: missense variant. On other transcripts: non-coding transcript variant (1).
Genome position (GRCh38, 1-based): chr17:8,236,224, G>T on the plus strand (C>A on the coding strand, the complement: CTC1 is on the minus strand). VCF-style: chr17-8236224-G-T. GRCh37 (hg19) VCF-style: chr17-8139542-G-T.
Other names: c.911C>A, p.Ser304Tyr (NM_001411067.1); short protein forms S304Y.
Identifiers: ClinVar variation 3030224 (VCV003030224.2), dbSNP rs1225861362, ClinGen allele CA397988569.